The following is an entry in ClinVar:

NM_130384.3(ATRIP):c.1283G>T (p.Gly428Val)

Genes: ATRIP (ATR interacting protein; plus strand), ATRIP-TREX1 (ATRIP-TREX1 readthrough; plus strand). Cytogenetic location: 3p21.31.
Variant type: single nucleotide variant.
Coding change: c.1283G>T on transcript NM_130384.3 (MANE Select); coding-DNA position 1283, G replaced by T.
Protein change: p.Gly428Val; replaces glycine 428 with valine.
Molecular consequence: missense variant. On other transcripts: non-coding transcript variant (1).
Genome position (GRCh38, 1-based): chr3:48,460,337, G>T. VCF-style: chr3-48460337-G-T. GRCh37 (hg19) VCF-style: chr3-48501736-G-T.
Other names: c.902G>T, p.Gly301Val (NM_001271022.2); c.1004G>T, p.Gly335Val (NM_001271023.2); c.1283G>T, p.Gly428Val (NM_032166.4); short protein forms G428V, G335V, G301V.
Identifiers: ClinVar variation 4182248 (VCV004182248.1).

ClinVar aggregate classification (germline): Uncertain significance (1 of 4 stars; one submission).

Submission:

Ambry Genetics
Classification: Uncertain significance. Last evaluated: 2025-07-28. Review status: criteria provided, single submitter. Criteria: Ambry Variant Classification Scheme 2023. Collection method: clinical testing. Allele origin: germline.
Comment: The p.G428V variant (also known as c.1283G>T), located in coding exon 8 of the ATRIP gene, results from a G to T substitution at nucleotide position 1283. The glycine at codon 428 is replaced by valine, an amino acid with dissimilar properties. This amino acid position is conserved. In addition, this alteration is predicted to be tolerated by in silico analysis. Based on the available evidence, the clinical significance of this variant remains unclear.